The following is an entry in ClinVar:

NM_000057.4(BLM):c.960-4G>A

Gene: BLM (BLM RecQ like helicase; plus strand). Cytogenetic location: 15q26.1.
Variant type: single nucleotide variant.
Coding change: c.960-4G>A on transcript NM_000057.4 (MANE Select); 4 bases into the intron before coding-DNA position 960, G replaced by A.
Molecular consequence: intron variant.
Genome position (GRCh38, 1-based): chr15:90,754,807, G>A. VCF-style: chr15-90754807-G-A. GRCh37 (hg19) VCF-style: chr15-91298037-G-A.
Other names: c.960-4G>A (NM_001287246.2, NM_001287247.2); c.-332-4G>A (NM_001287248.2).
Identifiers: ClinVar variation 524826 (VCV000524826.18), dbSNP rs1555418976, ClinGen allele CA658798430.

ClinVar aggregate classification (germline): Conflicting classifications of pathogenicity. Review status: criteria provided, conflicting classifications (1 of 4 stars). 4 submissions from 4 submitters: Uncertain significance (1); Likely benign (3). Last evaluated 2025-12-13.

Conditions:
BLM-related disorder. Also called: BLM-related condition.
Hereditary cancer-predisposing syndrome. Also called: Hereditary neoplastic syndrome; Tumor predisposition; Neoplastic Syndromes, Hereditary; Hereditary Cancer Syndrome. Identifiers: Orphanet 140162, MedGen C0027672, MeSH D009386, MONDO:0015356.
Bloom syndrome (BLM). Also called: Bloom-Torre-Machacek syndrome. Identifiers: Orphanet 125, MedGen C0005859, MONDO:0008876, OMIM 210900.

Allele frequency attached by ClinVar (database versions not stated): TOPMed 0.00001.
gnomAD v4.1: 2 of 1,612,376 alleles (0.00012%); no homozygotes.

Submissions (4):

Labcorp Genetics (formerly Invitae), Labcorp
Classification: Likely benign for Bloom syndrome. Last evaluated: 2025-12-13. Review status: criteria provided, single submitter. Criteria: Invitae Variant Classification Sherloc (09022015). Collection method: clinical testing. Allele origin: germline.

PreventionGenetics, part of Exact Sciences
Classification: Uncertain significance for BLM-related condition. Last evaluated: 2023-05-11. Review status: criteria provided, single submitter. Criteria: ACMG Guidelines, 2015. Collection method: clinical testing. Allele origin: germline.
Comment: The BLM c.960-4G>A variant is predicted to interfere with splicing. This variant is predicted to alter splicing based on available splicing prediction programs (Alamut Visual Plus v1.6.). However, such computer prediction programs are imperfect. To our knowledge, this variant has not been reported in the literature or in a large population database, indicating this variant is rare. This variant has conflicting interpretations in Clinvar ranging from likely benign to uncertain. At this time, the clinical significance of this variant is uncertain due to the absence of conclusive functional and genetic evidence.

Blueprint Genetics
Classification: Likely benign. Last evaluated: 2023-04-06. Review status: criteria provided, single submitter. Criteria: ACMG Guidelines, 2015. Collection method: clinical testing. Allele origin: germline.

Ambry Genetics
Classification: Likely benign for Hereditary cancer-predisposing syndrome. Last evaluated: 2023-03-30. Review status: criteria provided, single submitter. Criteria: Ambry Variant Classification Scheme 2023. Collection method: clinical testing. Allele origin: germline.